The following is an entry in ClinVar:

ClinVar aggregate classification (germline): Uncertain significance. Review status: criteria provided, multiple submitters, no conflicts (2 of 4 stars). 2 submissions from 2 submitters: Uncertain significance (2). Last evaluated 2023-10-13.

Allele frequency attached by ClinVar (database versions not stated): TOPMed below 0.00001; gnomAD 0.00002; ExAC 0.00003; gnomAD exomes 0.00003.
gnomAD v4.1: 27 of 1,605,820 alleles (0.0017%); highest among the groups gnomAD compares: Middle Eastern, 0.016%; no homozygotes.

Submissions (2):

Labcorp Genetics (formerly Invitae), Labcorp
Classification: Uncertain significance. Last evaluated: 2023-10-13. Review status: criteria provided, single submitter. Criteria: Invitae Variant Classification Sherloc (09022015). Collection method: clinical testing. Allele origin: germline.
Comment: This sequence change replaces arginine, which is basic and polar, with histidine, which is basic and polar, at codon 91 of the CD151 protein (p.Arg91His). This variant is present in population databases (rs758951148, gnomAD 0.005%). This variant has not been reported in the literature in individuals affected with CD151-related conditions. ClinVar contains an entry for this variant (Variation ID: 806591). An algorithm developed to predict the effect of missense changes on protein structure and function (PolyPhen-2) suggests that this variant is likely to be disruptive. In summary, the available evidence is currently insufficient to determine the role of this variant in disease. Therefore, it has been classified as a Variant of Uncertain Significance.

CeGaT Center for Human Genetics Tuebingen
Classification: Uncertain significance. Last evaluated: 2017-10-01. Review status: criteria provided, single submitter. Criteria: CeGaT Center For Human Genetics Tuebingen Variant Classification Criteria Version 2. Collection method: clinical testing. Allele origin: germline. Affected: yes. Observed: 1 variant allele.

NM_004357.5(CD151):c.272G>A (p.Arg91His)

Gene: CD151 (CD151 molecule (Raph blood group); plus strand). Cytogenetic location: 11p15.5.
Variant type: single nucleotide variant.
Coding change: c.272G>A on transcript NM_004357.5 (MANE Select); coding-DNA position 272, G replaced by A.
Protein change: p.Arg91His; replaces arginine 91 with histidine.
Molecular consequence: missense variant.
Genome position (GRCh38, 1-based): chr11:836,438, G>A. VCF-style: chr11-836438-G-A. GRCh37 (hg19) VCF-style: chr11-836438-G-A.
Other names: c.272G>A, p.Arg91His (NM_001039490.2, NM_139029.2, NM_139030.4); short protein forms R91H.
Identifiers: ClinVar variation 806591 (VCV000806591.45), dbSNP rs758951148, ClinGen allele CA5792109.